The following is an entry in ClinVar:

ClinVar aggregate classification (germline): Likely pathogenic. Review status: criteria provided, single submitter (1 of 4 stars). 2 submissions from 2 submitters: Likely pathogenic (1). 1 of the submissions does not count toward it. Last evaluated 2020-06-15.

Conditions:
Spastic paraplegia 30B, autosomal recessive. Identifiers: MedGen C5935571, MONDO:0971149, OMIM 620607.
Hereditary spastic paraplegia 30. Identifiers: Orphanet 101010, MedGen C5235139, MONDO:0012476.

Allele frequency attached by ClinVar (database versions not stated): gnomAD exomes below 0.00001.
gnomAD v4.1: 1 of 1,613,868 alleles (0.000062%); highest among the groups gnomAD compares: Non-Finnish European, 0.000085%; no homozygotes.

Submissions (2):

SIB Swiss Institute of Bioinformatics
Classification: Likely pathogenic for Spastic paraplegia 30A, autosomal dominant. Last evaluated: 2020-06-15. Review status: criteria provided, single submitter. Criteria: ACMG Guidelines, 2015. Collection method: curation. Allele origin: unknown.
Comment: This variant is interpreted as likely pathogenic for spastic paraplegia 30, autosomal recessive. The following ACMG Tag(s) were applied: Absent from controls (or at extremely low frequency if recessive) in Exome Sequencing Project, 1000 Genomes Project, or Exome Aggregation Consortium (PM2); Cosegregation with disease in multiple affected family members in a gene definitively known to cause the disease (PP1 strong); Multiple lines of computational evidence support a deleterious effect on the gene or gene product (PP3); Missense variant in a gene that has a low rate of benign missense variation and in which missense variants are a common mechanism of disease (PP2).

OMIM
Classification: Pathogenic for SPASTIC PARAPLEGIA 30B, AUTOSOMAL RECESSIVE. Last evaluated: 2014-09-29. Review status: no assertion criteria provided. Collection method: literature only. Allele origin: germline. Not counted in ClinVar's aggregate classification.

Literature cited by the submitters: PubMed 22258533 (cited by SIB Swiss Institute of Bioinformatics and OMIM); PubMed 16434418 (cited by OMIM); PubMed 25265257 (cited by OMIM); PubMed 31455732 (cited by OMIM).

NM_001244008.2(KIF1A):c.1048C>G (p.Arg350Gly)

Gene: KIF1A (kinesin family member 1A; minus strand). Cytogenetic location: 2q37.3.
Variant type: single nucleotide variant.
Coding change: c.1048C>G on transcript NM_001244008.2 (MANE Select); coding-DNA position 1048, C replaced by G.
Protein change: p.Arg350Gly; replaces arginine 350 with glycine.
Molecular consequence: missense variant.
Genome position (GRCh38, 1-based): chr2:240,773,246, G>C on the plus strand (C>G on the coding strand, the complement: KIF1A is on the minus strand). VCF-style: chr2-240773246-G-C. GRCh37 (hg19) VCF-style: chr2-241712663-G-C.
Other names: c.1048C>G, p.Arg350Gly (NM_001379639.1, NM_001379640.1, NM_001379641.1 and 20 more transcripts); short protein forms R350G.
Identifiers: ClinVar variation 37004 (VCV000037004.5), dbSNP rs387907259, ClinGen allele CA130024.